The following is an entry in ClinVar:

ClinVar aggregate classification (germline): Uncertain significance (1 of 4 stars; one submission).

Allele frequency attached by ClinVar (database versions not stated): gnomAD exomes 0.00001; ESP Exome Variant Server 0.00009; TOPMed below 0.00001; ExAC 0.00001.

Submission:

Labcorp Genetics (formerly Invitae), Labcorp
Classification: Uncertain significance. Last evaluated: 2025-09-22. Review status: criteria provided, single submitter. Criteria: Invitae Variant Classification Sherloc (09022015). Collection method: clinical testing. Allele origin: germline.
Comment: This sequence change replaces tyrosine, which is neutral and polar, with histidine, which is basic and polar, at codon 256 of the BGN protein (p.Tyr256His). This variant is present in population databases (rs375054966, gnomAD 0.02%). This variant has not been reported in the literature in individuals affected with BGN-related conditions. ClinVar contains an entry for this variant (Variation ID: 2965504). Invitae Evidence Modeling of protein sequence and biophysical properties (such as structural, functional, and spatial information, amino acid conservation, physicochemical variation, residue mobility, and thermodynamic stability) indicates that this missense variant is not expected to disrupt BGN protein function with a negative predictive value of 80%. In summary, the available evidence is currently insufficient to determine the role of this variant in disease. Therefore, it has been classified as a Variant of Uncertain Significance.

NM_001711.6(BGN):c.766T>C (p.Tyr256His)

Gene: BGN (biglycan; plus strand). Cytogenetic location: Xq28.
Variant type: single nucleotide variant.
Coding change: c.766T>C on transcript NM_001711.6 (MANE Select); coding-DNA position 766, T replaced by C.
Protein change: p.Tyr256His; replaces tyrosine 256 with histidine.
Molecular consequence: missense variant.
Genome position (GRCh38, 1-based): chrX:153,506,919, T>C. VCF-style: chrX-153506919-T-C. GRCh37 (hg19) VCF-style: chrX-152772377-T-C.
Other names: short protein forms Y256H.
Identifiers: ClinVar variation 2965504 (VCV002965504.3), dbSNP rs375054966, ClinGen allele CA10547307.